The following is an entry in ClinVar:

NM_001710.6(CFB):c.277G>C (p.Val93Leu)

Gene: CFB (complement factor B; plus strand). Cytogenetic location: 6p21.33.
Variant type: single nucleotide variant.
Coding change: c.277G>C on transcript NM_001710.6 (MANE Select); coding-DNA position 277, G replaced by C.
Protein change: p.Val93Leu; replaces valine 93 with leucine.
Molecular consequence: missense variant.
Genome position (GRCh38, 1-based): chr6:31,946,585, G>C. VCF-style: chr6-31946585-G-C. GRCh37 (hg19) VCF-style: chr6-31914362-G-C.
Other names: short protein forms V93L.
Identifiers: ClinVar variation 1714264 (VCV001714264.5), dbSNP rs1771437663, ClinGen allele CA363389775.

ClinVar aggregate classification (germline): Uncertain significance (1 of 4 stars; one submission).

Allele frequency attached by ClinVar (database versions not stated): gnomAD 0.00001; gnomAD exomes below 0.00001.
gnomAD v4.1: 4 of 1,610,810 alleles (0.00025%); highest among the groups gnomAD compares: South Asian, 0.0011%; no homozygotes.

Submission:

Labcorp Genetics (formerly Invitae), Labcorp
Classification: Uncertain significance. Last evaluated: 2025-08-15. Review status: criteria provided, single submitter. Criteria: Invitae Variant Classification Sherloc (09022015). Collection method: clinical testing. Allele origin: germline.
Comment: This sequence change replaces valine, which is neutral and non-polar, with leucine, which is neutral and non-polar, at codon 93 of the CFB protein (p.Val93Leu). This variant is not present in population databases (gnomAD no frequency). This variant has not been reported in the literature in individuals affected with CFB-related conditions. ClinVar contains an entry for this variant (Variation ID: 1714264). Invitae Evidence Modeling of protein sequence and biophysical properties (such as structural, functional, and spatial information, amino acid conservation, physicochemical variation, residue mobility, and thermodynamic stability) indicates that this missense variant is not expected to disrupt CFB protein function with a negative predictive value of 80%. In summary, the available evidence is currently insufficient to determine the role of this variant in disease. Therefore, it has been classified as a Variant of Uncertain Significance.